The following is an entry in ClinVar:

NM_004733.4(SLC33A1):c.928G>A (p.Val310Ile)

Gene: SLC33A1 (solute carrier family 33 member 1; minus strand). Cytogenetic location: 3q25.31.
Variant type: single nucleotide variant.
Coding change: c.928G>A on transcript NM_004733.4 (MANE Select); coding-DNA position 928, G replaced by A.
Protein change: p.Val310Ile; replaces valine 310 with isoleucine.
Molecular consequence: missense variant. On other transcripts: intron variant (1).
Genome position (GRCh38, 1-based): chr3:155,842,467, C>T on the plus strand (G>A on the coding strand, the complement: SLC33A1 is on the minus strand). VCF-style: chr3-155842467-C-T. GRCh37 (hg19) VCF-style: chr3-155560256-C-T.
Other names: c.928G>A, p.Val310Ile (NM_001190992.2); c.776-8426G>A (NM_001363883.1); short protein forms V310I.
Identifiers: ClinVar variation 1420053 (VCV001420053.6), dbSNP rs2107980673, ClinGen allele CA355141639.

ClinVar aggregate classification (germline): Uncertain significance (1 of 4 stars; one submission).

Conditions:
Spastic paraplegia. Identifiers: MedGen C0037772, HP:0001258.

Submission:

Labcorp Genetics (formerly Invitae), Labcorp
Classification: Uncertain significance for Spastic paraplegia. Last evaluated: 2023-07-10. Review status: criteria provided, single submitter. Criteria: Invitae Variant Classification Sherloc (09022015). Collection method: clinical testing. Allele origin: germline.
Comment: In summary, the available evidence is currently insufficient to determine the role of this variant in disease. Therefore, it has been classified as a Variant of Uncertain Significance. Advanced modeling of protein sequence and biophysical properties (such as structural, functional, and spatial information, amino acid conservation, physicochemical variation, residue mobility, and thermodynamic stability) performed at Invitae indicates that this missense variant is not expected to disrupt SLC33A1 protein function. ClinVar contains an entry for this variant (Variation ID: 1420053). This variant has not been reported in the literature in individuals affected with SLC33A1-related conditions. This variant is not present in population databases (gnomAD no frequency). This sequence change replaces valine, which is neutral and non-polar, with isoleucine, which is neutral and non-polar, at codon 310 of the SLC33A1 protein (p.Val310Ile).